The following is an entry in ClinVar:

NM_003183.6(ADAM17):c.523G>A (p.Val175Ile)

Gene: ADAM17 (ADAM metallopeptidase domain 17; minus strand). Cytogenetic location: 2p25.1.
Variant type: single nucleotide variant.
Coding change: c.523G>A on transcript NM_003183.6 (MANE Select); coding-DNA position 523, G replaced by A.
Protein change: p.Val175Ile; replaces valine 175 with isoleucine.
Molecular consequence: missense variant. On other transcripts: 5 prime UTR variant (2).
Genome position (GRCh38, 1-based): chr2:9,527,882, C>T on the plus strand (G>A on the coding strand, the complement: ADAM17 is on the minus strand). VCF-style: chr2-9527882-C-T. GRCh37 (hg19) VCF-style: chr2-9668011-C-T.
Other names: c.-158G>A (NM_001382777.1); c.-400G>A (NM_001382778.1); short protein forms V175I.
Identifiers: ClinVar variation 1963333 (VCV001963333.5), dbSNP rs1008756508, ClinGen allele CA42386447.

ClinVar aggregate classification (germline): Uncertain significance (1 of 4 stars; one submission).

Conditions:
Inflammatory skin and bowel disease, neonatal, 1. Identifiers: Orphanet 294023, MedGen C3280501, MONDO:0013693, OMIM 614328.

Allele frequency attached by ClinVar (database versions not stated): gnomAD 0.00001.
gnomAD v4.1: 7 of 1,598,042 alleles (0.00044%); highest among the groups gnomAD compares: Non-Finnish European, 0.00051%; no homozygotes.

Submission:

Labcorp Genetics (formerly Invitae), Labcorp
Classification: Uncertain significance for Inflammatory skin and bowel disease, neonatal, 1. Last evaluated: 2022-06-10. Review status: criteria provided, single submitter. Criteria: Invitae Variant Classification Sherloc (09022015). Collection method: clinical testing. Allele origin: germline.
Comment: In summary, the available evidence is currently insufficient to determine the role of this variant in disease. Therefore, it has been classified as a Variant of Uncertain Significance. Algorithms developed to predict the effect of missense changes on protein structure and function output the following: SIFT: "Not Available"; PolyPhen-2: "Benign"; Align-GVGD: "Not Available". The isoleucine amino acid residue is found in multiple mammalian species, which suggests that this missense change does not adversely affect protein function. This variant has not been reported in the literature in individuals affected with ADAM17-related conditions. This variant is not present in population databases (gnomAD no frequency). This sequence change replaces valine, which is neutral and non-polar, with isoleucine, which is neutral and non-polar, at codon 175 of the ADAM17 protein (p.Val175Ile).